The following is an entry in ClinVar:

ClinVar aggregate classification (germline): Conflicting classifications of pathogenicity. Review status: criteria provided, conflicting classifications (1 of 4 stars). 7 submissions from 5 submitters: Pathogenic (3); Uncertain significance (1). 3 of the submissions do not count toward it. Last evaluated 2026-04-16.

Conditions:
Intellectual disability, X-linked, with or without seizures, ARX-related. Also called: MENTAL RETARDATION, X-LINKED 29; MENTAL RETARDATION, X-LINKED 32; MENTAL RETARDATION, X-LINKED 33; MENTAL RETARDATION, X-LINKED 38; MENTAL RETARDATION, X-LINKED 43; MENTAL RETARDATION, X-LINKED 76. Identifiers: Orphanet 777, MedGen C0796244, MONDO:0010317, OMIM 300419.
Developmental and epileptic encephalopathy, 1 (DEE1). Also called: OHTAHARA SYNDROME, X-LINKED; X-linked infantile spasms; West's syndrome; Tonic spasms with clustering, arrest of psychomotor development and hypsarrhythmia on EEG; X-Linked Infantile Spasm Syndrome; INFANTILE SPASM SYNDROME, X-LINKED 1. Identifiers: MedGen C3463992, MONDO:0010632, OMIM 308350. Disease mechanism: loss of function.
Partington syndrome (PRTS). Also called: MENTAL RETARDATION, X-LINKED 36; MENTAL RETARDATION, X-LINKED, SYNDROMIC 1; MENTAL RETARDATION, X-LINKED, WITH DYSTONIC MOVEMENTS, ATAXIA, AND SEIZURES; Mental retardation-dystonic movements-ataxia-seizures syndrome. Identifiers: Orphanet 94083, MedGen C0796250, MONDO:0010654, OMIM 309510.

Submissions (7):

Women's Health and Genetics/Laboratory Corporation of America, LabCorp
Classification: Pathogenic for Intellectual disability, X-linked, with or without seizures, ARX-related. Last evaluated: 2026-04-16. Review status: criteria provided, single submitter. Criteria: LabCorp Variant Classification Summary - May 2015. Collection method: clinical testing. Allele origin: germline.
Comment: Variant summary: ARX c.428_451dup24 (p.Gly143_Ala150dup) results in an in-frame duplication that is predicted to duplicate 8 amino acids into the encoded protein. The variant was absent in 1184 control chromosomes. c.428_451dup24 has been observed in multiple individuals affected with AXR-Related Disorder (e.g. Cosse_2011, Nawara_2006) . These data indicate that the variant is very likely to be associated with disease. To our knowledge, no experimental evidence demonstrating an impact on protein function has been reported. The following publications have been ascertained in the context of this evaluation (PMID: 21204215, 16523516). ClinVar contains an entry for this variant (Variation ID: 11187). Based on the evidence outlined above, the variant was classified as pathogenic.

Labcorp Genetics (formerly Invitae), Labcorp
Classification: Pathogenic for Developmental and epileptic encephalopathy, 1; Intellectual disability, X-linked, with or without seizures, ARX-related. Last evaluated: 2026-01-16. Review status: criteria provided, single submitter. Criteria: Invitae Variant Classification Sherloc (09022015). Collection method: clinical testing. Allele origin: germline.
Comment: This variant, c.428_451dup, results in the insertion of 8 amino acid(s) of the ARX protein (p.Gly143_Ala150dup), but otherwise preserves the integrity of the reading frame. This variant is present in population databases (rs387906493, gnomAD 0.02%). This variant has been observed in individual(s) with ARX-related conditions (PMID: 16235064, 20506206, 21204215, 26029707). It has also been observed to segregate with disease in related individuals. This variant is also known as c.441_464 and dup24. ClinVar contains an entry for this variant (Variation ID: 11187). Studies have shown that this variant alters ARX gene expression (PMID: 17331656). For these reasons, this variant has been classified as Pathogenic.

Revvity Omics, Revvity
Classification: Pathogenic. Last evaluated: 2025-05-21. Review status: criteria provided, single submitter. Criteria: ACMG Guidelines, 2015. Collection method: clinical testing. Allele origin: germline.

GeneDx
Classification: Uncertain significance. Last evaluated: 2024-02-14. Review status: criteria provided, single submitter. Criteria: GeneDx Variant Classification Process June 2021. Collection method: clinical testing. Allele origin: germline. Affected: yes.
Comment: In-frame duplication of one Glycine and 7 Alanine residues in the second polyalanine tract of the ARX protein; Has not been previously published as pathogenic or benign to our knowledge; Observed in hemizygous state in two patients referred for epilepsy genetic testing at GeneDx and not observed in hemizygous state in controls; Not observed at significant frequency in large population cohorts (gnomAD); This variant is associated with the following publications: (PMID: 20300201)

OMIM
Classification: Pathogenic for DEVELOPMENTAL AND EPILEPTIC ENCEPHALOPATHY 1. Last evaluated: 2007-05-04. Review status: no assertion criteria provided. Collection method: literature only. Allele origin: unknown. Not counted in ClinVar's aggregate classification.

OMIM
Classification: Pathogenic for PARTINGTON SYNDROME. Last evaluated: 2007-05-04. Review status: no assertion criteria provided. Collection method: literature only. Allele origin: unknown. Not counted in ClinVar's aggregate classification.

OMIM
Classification: Pathogenic for INTELLECTUAL DEVELOPMENTAL DISORDER, X-LINKED 29. Last evaluated: 2007-05-04. Review status: no assertion criteria provided. Collection method: literature only. Allele origin: unknown. Not counted in ClinVar's aggregate classification.

Literature cited by the submitters: PubMed 21204215 (cited by Women's Health and Genetics/Laboratory Corporation of America, LabCorp and Labcorp Genetics (formerly Invitae), Labcorp); PubMed 16523516 (cited by Women's Health and Genetics/Laboratory Corporation of America, LabCorp); PubMed 16235064 (cited by Labcorp Genetics (formerly Invitae), Labcorp); PubMed 20506206 (cited by Labcorp Genetics (formerly Invitae), Labcorp); PubMed 26029707 (cited by Labcorp Genetics (formerly Invitae), Labcorp); PubMed 17331656 (cited by Labcorp Genetics (formerly Invitae), Labcorp); PubMed 10353782 (cited by OMIM); PubMed 11889467 (cited by OMIM); PubMed 3177452 (cited by OMIM); PubMed 12376938 (cited by OMIM); PubMed 12376946 (cited by OMIM); PubMed 12640086 (cited by OMIM); PubMed 8826464 (cited by OMIM); PubMed 11971879 (cited by OMIM); PubMed 12376949 (cited by OMIM); PubMed 15151512 (cited by OMIM); PubMed 2080994 (cited by OMIM); PubMed 5008734 (cited by OMIM); PubMed 15200506 (cited by OMIM); PubMed 16078051 (cited by OMIM); PubMed 15850492 (cited by OMIM); PubMed 17480217 (cited by OMIM); PubMed 10398246 (cited by OMIM); PubMed 12116222 (cited by OMIM).

NM_139058.3(ARX):c.428_451dup (p.Gly143_Ala150dup)

Genes: ARX (aristaless related homeobox; minus strand), LOC109610631 (aristaless related homeobox polyalanine expansion region; plus strand). Cytogenetic location: Xp21.3.
Variant type: Duplication.
Coding change: c.428_451dup on transcript NM_139058.3 (MANE Select); coding-DNA positions 428 to 451, 24 bases duplicated (GGGCCGCCGCGGCAGCCGCGGCCG).
Protein change: p.Gly143_Ala150dup.
Molecular consequence: inframe insertion.
Genome position (GRCh38, 1-based): chrX:25,013,544-25,013,567, CGGCCGCGGCTGCCGCGGCGGCCC duplicated on the plus strand (GGGCCGCCGCGGCAGCCGCGGCCG on the coding strand, the reverse complement: ARX is on the minus strand); duplicating any 24 consecutive bases within chrX:25,013,544-25,013,568 gives the same sequence; the c. name uses the placement nearest the transcript's 3' end. VCF-style (leftmost placement, unchanged base first): chrX-25013543-G-GCGGCCGCGGCTGCCGCGGCGGCCC. GRCh37 (hg19) VCF-style: chrX-25031660-G-GCGGCCGCGGCTGCCGCGGCGGCCC.
Other names: c.428_451dupGGGCCGCCGCGGCAGCCGCGGCCG (NM_139058.2); c.428_451dup24 (NM_139058.3).
Identifiers: ClinVar variation 11187 (VCV000011187.17), dbSNP rs387906493, ClinGen allele CA121408.